The following is an entry in ClinVar:

ClinVar aggregate classification (germline): Uncertain significance. Review status: criteria provided, multiple submitters, no conflicts (2 of 4 stars). 2 submissions from 2 submitters: Uncertain significance (2). Last evaluated 2025-10-12.

Conditions:
Tyrosinemia type I (TYRSN1). Also called: Tyrosinemia type 1; Fumarylacetoacetase deficiency; Deficiency of fumarylacetoacetase; FAH DEFICIENCY; HEPATORENAL TYROSINEMIA. Identifiers: Orphanet 882, MedGen C0268490, MONDO:0010161, OMIM 276700. Disease mechanism: loss of function.
Inborn genetic diseases. Identifiers: MedGen C0950123, MeSH D030342.

Submissions (2):

Labcorp Genetics (formerly Invitae), Labcorp
Classification: Uncertain significance for Tyrosinemia type I. Last evaluated: 2025-10-12. Review status: criteria provided, single submitter. Criteria: Invitae Variant Classification Sherloc (09022015). Collection method: clinical testing. Allele origin: germline.
Comment: This sequence change replaces methionine, which is neutral and non-polar, with threonine, which is neutral and polar, at codon 140 of the FAH protein (p.Met140Thr). This variant is not present in population databases (gnomAD no frequency). This variant has not been reported in the literature in individuals affected with FAH-related conditions. ClinVar contains an entry for this variant (Variation ID: 2594102). Invitae Evidence Modeling of protein sequence and biophysical properties (such as structural, functional, and spatial information, amino acid conservation, physicochemical variation, residue mobility, and thermodynamic stability) indicates that this missense variant is expected to disrupt FAH protein function with a positive predictive value of 80%. In summary, the available evidence is currently insufficient to determine the role of this variant in disease. Therefore, it has been classified as a Variant of Uncertain Significance.

Ambry Genetics
Classification: Uncertain significance for Inborn genetic diseases. Last evaluated: 2023-07-31. Review status: criteria provided, single submitter. Criteria: Ambry Variant Classification Scheme 2023. Collection method: clinical testing. Allele origin: germline.

NM_000137.4(FAH):c.419T>C (p.Met140Thr)

Gene: FAH (fumarylacetoacetate hydrolase; plus strand). Cytogenetic location: 15q25.1.
Variant type: single nucleotide variant.
Coding change: c.419T>C on transcript NM_000137.4 (MANE Select); coding-DNA position 419, T replaced by C.
Protein change: p.Met140Thr; replaces methionine 140 with threonine.
Molecular consequence: missense variant.
Genome position (GRCh38, 1-based): chr15:80,162,300, T>C. VCF-style: chr15-80162300-T-C. GRCh37 (hg19) VCF-style: chr15-80454642-T-C.
Other names: c.419T>C, p.Met140Thr (NM_001374377.1, NM_001374380.1); short protein forms M140T.
Identifiers: ClinVar variation 2594102 (VCV002594102.3), dbSNP rs2505844608, ClinGen allele CA393619420.
Genomic context (GRCh38, chr15:80,162,300, plus strand): 5'-CTGCAGGAGACTACACAGACTTCTATTCCTCTCGGCAGCATGCTACCAACGTCGGAATCA[T>C]GTTCAGGGACAAGGAGAATGCGTTGATGCCAAATTGGTATGAACTGGGCCAAATGTCTGC-3'
Protein context (NP_000128.1, residues 130-150): SRQHATNVGI[Met140Thr]FRDKENALMP